The following is an entry in ClinVar:

ClinVar aggregate classification (germline): Uncertain significance. Review status: criteria provided, multiple submitters, no conflicts (2 of 4 stars). 2 submissions from 2 submitters: Uncertain significance (2). Last evaluated 2025-05-14.

Conditions:
ISL1-related disorder. Also called: ISL1-related condition.

Allele frequency attached by ClinVar (database versions not stated): gnomAD exomes below 0.00001.
gnomAD v4.1: 5 of 1,609,718 alleles (0.00031%); highest among the groups gnomAD compares: Non-Finnish European, 0.00043%; no homozygotes.

Submissions (2):

Ambry Genetics
Classification: Uncertain significance. Last evaluated: 2025-05-14. Review status: criteria provided, single submitter. Criteria: Ambry Variant Classification Scheme 2023. Collection method: clinical testing. Allele origin: germline.

PreventionGenetics, part of Exact Sciences
Classification: Uncertain significance for ISL1-related condition. Last evaluated: 2024-10-22. Review status: criteria provided, single submitter. Criteria: ACMG Guidelines, 2015. Collection method: clinical testing. Allele origin: germline.
Comment: The ISL1 c.1024A>G variant is predicted to result in the amino acid substitution p.Met342Val. To our knowledge, this variant has not been reported in the literature or in a large population database (gnomAD), indicating this variant is rare. At this time, the clinical significance of this variant is uncertain due to the absence of conclusive functional and genetic evidence.

NM_002202.3(ISL1):c.1024A>G (p.Met342Val)

Gene: ISL1 (ISL LIM homeobox 1; plus strand). Cytogenetic location: 5q11.1.
Variant type: single nucleotide variant.
Coding change: c.1024A>G on transcript NM_002202.3 (MANE Select); coding-DNA position 1024, A replaced by G.
Protein change: p.Met342Val; replaces methionine 342 with valine.
Molecular consequence: missense variant.
Genome position (GRCh38, 1-based): chr5:51,393,584, A>G. VCF-style: chr5-51393584-A-G. GRCh37 (hg19) VCF-style: chr5-50689418-A-G.
Other names: short protein forms M342V.
Identifiers: ClinVar variation 2636063 (VCV002636063.3), dbSNP rs1747567535, ClinGen allele CA359713523.